The following is an entry in ClinVar:

NM_001363711.2(DUOX2):c.4395+5G>C

Gene: DUOX2 (dual oxidase 2; minus strand). Cytogenetic location: 15q21.1.
Variant type: single nucleotide variant.
Coding change: c.4395+5G>C on transcript NM_001363711.2 (MANE Select); 5 bases into the intron after coding-DNA position 4395, G replaced by C.
Molecular consequence: intron variant.
Genome position (GRCh38, 1-based): chr15:45,094,931, C>G on the plus strand (G>C on the coding strand, the complement: DUOX2 is on the minus strand). VCF-style: chr15-45094931-C-G. GRCh37 (hg19) VCF-style: chr15-45387129-C-G.
Other names: c.4395+5G>C (NM_014080.5).
Identifiers: ClinVar variation 2984004 (VCV002984004.3), dbSNP rs765448763, ClinGen allele CA7537552.

ClinVar aggregate classification (germline): Uncertain significance (1 of 4 stars; one submission).

Allele frequency attached by ClinVar (database versions not stated): TOPMed below 0.00001; ExAC 0.00002; gnomAD 0.00001.

Submission:

Labcorp Genetics (formerly Invitae), Labcorp
Classification: Uncertain significance. Last evaluated: 2025-05-17. Review status: criteria provided, single submitter. Criteria: Invitae Variant Classification Sherloc (09022015). Collection method: clinical testing. Allele origin: germline.
Comment: This sequence change falls in intron 32 of the DUOX2 gene. It does not directly change the encoded amino acid sequence of the DUOX2 protein. It affects a nucleotide within the consensus splice site. This variant is present in population databases (rs765448763, gnomAD 0.002%). This variant has not been reported in the literature in individuals affected with DUOX2-related conditions. ClinVar contains an entry for this variant (Variation ID: 2984004). Variants that disrupt the consensus splice site are a relatively common cause of aberrant splicing (PMID: 17576681, 9536098). Algorithms developed to predict the effect of sequence changes on RNA splicing suggest that this variant may disrupt the consensus splice site. In summary, the available evidence is currently insufficient to determine the role of this variant in disease. Therefore, it has been classified as a Variant of Uncertain Significance.

Literature cited by the submitters: PubMed 17576681; PubMed 9536098.